The following is an entry in ClinVar:

ClinVar aggregate classification (germline): Uncertain significance (1 of 4 stars; one submission).

Conditions:
Inborn genetic diseases. Identifiers: MedGen C0950123, MeSH D030342.

gnomAD v4.1: 31 of 1,613,026 alleles (0.0019%); highest among the groups gnomAD compares: Non-Finnish European, 0.0024%; no homozygotes.

Submission:

Ambry Genetics
Classification: Uncertain significance for Inborn genetic diseases. Last evaluated: 2025-02-03. Review status: criteria provided, single submitter. Criteria: Ambry Variant Classification Scheme 2023. Collection method: clinical testing. Allele origin: germline.
Comment: The p.S162C variant (also known as c.485C>G), located in coding exon 5 of the FANCA gene, results from a C to G substitution at nucleotide position 485. The serine at codon 162 is replaced by cysteine, an amino acid with dissimilar properties. This amino acid position is conserved. In addition, this alteration is predicted to be tolerated by in silico analysis. Based on the available evidence, the clinical significance of this variant remains unclear.

NM_000135.4(FANCA):c.485C>G (p.Ser162Cys)

Gene: FANCA (FA complementation group A; minus strand). Cytogenetic location: 16q24.3.
Variant type: single nucleotide variant.
Coding change: c.485C>G on transcript NM_000135.4 (MANE Select); coding-DNA position 485, C replaced by G.
Protein change: p.Ser162Cys; replaces serine 162 with cysteine.
Molecular consequence: missense variant. On other transcripts: intron variant (1).
Genome position (GRCh38, 1-based): chr16:89,810,744, G>C on the plus strand (C>G on the coding strand, the complement: FANCA is on the minus strand). VCF-style: chr16-89810744-G-C. GRCh37 (hg19) VCF-style: chr16-89877152-G-C.
Other names: c.485C>G, p.Ser162Cys (NM_001018112.3, NM_001286167.3); c.426+185C>G (NM_001351830.2); short protein forms S162C.
Identifiers: ClinVar variation 3848184 (VCV003848184.1).